The following is an entry in ClinVar:

ClinVar aggregate classification (germline): Pathogenic (1 of 4 stars; one submission).

Conditions:
Fetal akinesia deformation sequence 1 (FADS1). Also called: Fetal akinesia sequence; Pena-Shokeir syndrome type I. Identifiers: Orphanet 994, MedGen C1276035, MONDO:0100101, OMIM 208150, HP:0001989.
Congenital myasthenic syndrome 10. Also called: Myasthenia, limb-girdle, familial. Identifiers: Orphanet 590, MedGen C1850792, MONDO:0009690, OMIM 254300.

Submission:

Labcorp Genetics (formerly Invitae), Labcorp
Classification: Pathogenic for Congenital myasthenic syndrome 10; Fetal akinesia deformation sequence 1. Last evaluated: 2025-02-22. Review status: criteria provided, single submitter. Criteria: Invitae Variant Classification Sherloc (09022015). Collection method: clinical testing. Allele origin: germline.
Comment: This sequence change creates a premature translational stop signal (p.Ser354Argfs*100) in the DOK7 gene. While this is not anticipated to result in nonsense mediated decay, it is expected to disrupt the last 151 amino acid(s) of the DOK7 protein. This variant is not present in population databases (gnomAD no frequency). This variant has not been reported in the literature in individuals affected with DOK7-related conditions. This variant disrupts a region of the DOK7 protein in which other variant(s) (p.Pro486Argfs*15) have been determined to be pathogenic (PMID: 26633545; internal data). This suggests that this is a clinically significant region of the protein, and that variants that disrupt it are likely to be disease-causing. For these reasons, this variant has been classified as Pathogenic.

Literature cited by the submitters: PubMed 26633545.

NM_173660.5(DOK7):c.1060_1066del (p.Ser354fs)

Gene: DOK7 (docking protein 7; plus strand). Cytogenetic location: 4p16.3.
Variant type: Deletion.
Coding change: c.1060_1066del on transcript NM_173660.5 (MANE Select); coding-DNA positions 1060 to 1066, 7 bases deleted (TCCTACG; older notation c.1060_1066delTCCTACG).
Protein change: p.Ser354fs; shifts the reading frame from serine 354.
Molecular consequence: frameshift variant. On other transcripts: 3 prime UTR variant (1).
Genome position (GRCh38, 1-based): chr4:3,493,046-3,493,052, TCCTACG deleted; deleting any 7 consecutive bases within chr4:3,493,044-3,493,052 gives the same sequence; the c. name uses the placement nearest the transcript's 3' end. VCF-style (leftmost placement, unchanged base first): chr4-3493043-TCGTCCTA-T. GRCh37 (hg19) VCF-style: chr4-3494770-TCGTCCTA-T.
Other names: c.*281_*287del (NM_001164673.2); c.130_136del, p.Ser44fs (NM_001256896.2); c.1060_1066del, p.Ser354fs (NM_001301071.2); c.628_634del, p.Ser210fs (NM_001363811.2); short protein forms S210fs, S354fs, S44fs.
Identifiers: ClinVar variation 4784248 (VCV004784248.1).